The following is an entry in ClinVar:

NM_001018113.3(FANCB):c.2439A>C (p.Arg813Ser)

Gene: FANCB (FA complementation group B; minus strand). Cytogenetic location: Xp22.2.
Variant type: single nucleotide variant.
Coding change: c.2439A>C on transcript NM_001018113.3 (MANE Select); coding-DNA position 2439, A replaced by C.
Protein change: p.Arg813Ser; replaces arginine 813 with serine.
Molecular consequence: missense variant.
Genome position (GRCh38, 1-based): chrX:14,843,708, T>G on the plus strand (A>C on the coding strand, the complement: FANCB is on the minus strand). VCF-style: chrX-14843708-T-G. GRCh37 (hg19) VCF-style: chrX-14861830-T-G.
Other names: p.Arg813Ser; c.2439A>C, p.Arg813Ser (NM_001324162.2, NM_152633.4); short protein forms R813S.
Identifiers: ClinVar variation 1003971 (VCV001003971.7), dbSNP rs748392793, ClinGen allele CA412437322.

ClinVar aggregate classification (germline): Uncertain significance. Review status: criteria provided, multiple submitters, no conflicts (2 of 4 stars). 2 submissions from 2 submitters: Uncertain significance (2). Last evaluated 2025-12-16.

Conditions:
Fanconi anemia (FA). Also called: Fanconi's anemia. Identifiers: Orphanet 84, MedGen C0015625, MeSH D005199, MONDO:0019391.

gnomAD v4.1: 5 of 1,211,249 alleles (0.00041%); highest among the groups gnomAD compares: Non-Finnish European, 0.00056%; no homozygotes.

Submissions (2):

Mayo Clinic Laboratories, Mayo Clinic
Classification: Uncertain significance. Last evaluated: 2025-12-16. Review status: criteria provided, single submitter. Criteria: ACMG Guidelines, 2015. Collection method: clinical testing. Allele origin: germline. Observed: 1 variant allele.
Comment: BP4_moderate, PM2_supporting

Labcorp Genetics (formerly Invitae), Labcorp
Classification: Uncertain significance for Fanconi anemia. Last evaluated: 2024-04-22. Review status: criteria provided, single submitter. Criteria: Invitae Variant Classification Sherloc (09022015). Collection method: clinical testing. Allele origin: germline.
Comment: This sequence change replaces arginine, which is basic and polar, with serine, which is neutral and polar, at codon 813 of the FANCB protein (p.Arg813Ser). This variant is not present in population databases (gnomAD no frequency). This variant has not been reported in the literature in individuals affected with FANCB-related conditions. ClinVar contains an entry for this variant (Variation ID: 1003971). Advanced modeling of protein sequence and biophysical properties (such as structural, functional, and spatial information, amino acid conservation, physicochemical variation, residue mobility, and thermodynamic stability) performed at Invitae indicates that this missense variant is not expected to disrupt FANCB protein function with a negative predictive value of 80%. In summary, the available evidence is currently insufficient to determine the role of this variant in disease. Therefore, it has been classified as a Variant of Uncertain Significance.